The following is an entry in ClinVar:

ClinVar aggregate classification (germline): Uncertain significance (1 of 4 stars; one submission).

Conditions:
CEP290-related disorder. Also called: CEP290-related condition; CEP290-related disorders. Identifiers: MedGen CN239314.

gnomAD v4.1: 1 of 1,520,280 alleles (0.000066%); no homozygotes.

Submission:

PreventionGenetics, part of Exact Sciences
Classification: Uncertain significance for CEP290-related condition. Last evaluated: 2026-06-01. Review status: criteria provided, single submitter. Criteria: ACMG Guidelines, 2015. Collection method: clinical testing. Allele origin: germline.
Comment: The CEP290 c.7047T>A variant is predicted to result in the amino acid substitution p.His2349Gln. To our knowledge, this variant has not been reported in the literature or in a large population database (gnomAD), indicating this variant is rare. At this time, the clinical significance of this variant is uncertain due to the absence of conclusive functional and genetic evidence.

NM_025114.4(CEP290):c.7047T>A (p.His2349Gln)

Gene: CEP290 (centrosomal protein 290; minus strand). Cytogenetic location: 12q21.32.
Variant type: single nucleotide variant.
Coding change: c.7047T>A on transcript NM_025114.4 (MANE Select); coding-DNA position 7047, T replaced by A.
Protein change: p.His2349Gln; replaces histidine 2349 with glutamine.
Molecular consequence: missense variant.
Genome position (GRCh38, 1-based): chr12:88,053,734, A>T on the plus strand (T>A on the coding strand, the complement: CEP290 is on the minus strand). VCF-style: chr12-88053734-A-T. GRCh37 (hg19) VCF-style: chr12-88447511-A-T.
Other names: short protein forms H2349Q.
Identifiers: ClinVar variation 4996208 (VCV004996208.1).